The following is an entry in ClinVar:

NM_177559.3(CSNK2A1):c.1033C>T (p.Pro345Ser)

Gene: CSNK2A1 (casein kinase 2 alpha 1; minus strand). Cytogenetic location: 20p13.
Variant type: single nucleotide variant.
Coding change: c.1033C>T on transcript NM_177559.3 (MANE Select); coding-DNA position 1033, C replaced by T.
Protein change: p.Pro345Ser; replaces proline 345 with serine.
Molecular consequence: missense variant.
Genome position (GRCh38, 1-based): chr20:486,403, G>A on the plus strand (C>T on the coding strand, the complement: CSNK2A1 is on the minus strand). VCF-style: chr20-486403-G-A. GRCh37 (hg19) VCF-style: chr20-467047-G-A.
Other names: c.1033C>T, p.Pro345Ser (NM_001362770.2, NM_001362771.2, NM_001895.4); c.625C>T, p.Pro209Ser (NM_177560.3); short protein forms P209S, P345S.
Identifiers: ClinVar variation 4687138 (VCV004687138.1).

ClinVar aggregate classification (germline): Uncertain significance (1 of 4 stars; one submission).

gnomAD v4.1: 1 of 1,613,210 alleles (0.000062%); highest among the groups gnomAD compares: South Asian, 0.0011%; no homozygotes.

Submission:

Women's Health and Genetics/Laboratory Corporation of America, LabCorp
Classification: Uncertain significance. Last evaluated: 2025-10-21. Review status: criteria provided, single submitter. Criteria: LabCorp Variant Classification Summary - May 2015. Collection method: clinical testing. Allele origin: germline.
Comment: Variant summary: CSNK2A1 c.1033C>T (p.Pro345Ser) results in a non-conservative amino acid change in the encoded protein sequence. Algorithms developed to predict the effect of missense changes on protein structure and function are either unavailable or do not agree on the potential impact of this missense change. The variant was absent in 251356 control chromosomes. The available data on variant occurrences in the general population are insufficient to allow any conclusion about variant significance. To our knowledge, no occurrence of c.1033C>T in individuals affected with CSNK2A1-related conditions and no experimental evidence demonstrating its impact on protein function have been reported. No submitters have cited clinical-significance assessments for this variant to ClinVar. Based on the evidence outlined above, the variant was classified as uncertain significance.